The following is an entry in ClinVar:

NM_003482.4(KMT2D):c.13780del (p.Ala4594fs)

Gene: KMT2D (lysine methyltransferase 2D; minus strand). Cytogenetic location: 12q13.12.
Variant type: Deletion.
Coding change: c.13780del on transcript NM_003482.4 (MANE Select); coding-DNA position 13780, one base deleted (G; older notation c.13780delG).
Protein change: p.Ala4594fs; shifts the reading frame from alanine 4594.
Molecular consequence: frameshift variant.
Genome position (GRCh38, 1-based): chr12:49,030,660, C deleted on the plus strand (G on the coding strand, the reverse complement: KMT2D is on the minus strand); the first of 6 consecutive C bases (chr12:49,030,660-49,030,665); deleting any one gives the same sequence. VCF-style (leftmost placement, unchanged base first): chr12-49030659-GC-G. GRCh37 (hg19) VCF-style: chr12-49424442-GC-G.
Other names: short protein forms A4594fs.
Identifiers: ClinVar variation 981789 (VCV000981789.3), dbSNP rs797044740, ClinGen allele CA1139662655.

ClinVar aggregate classification (germline): Pathogenic. Review status: criteria provided, single submitter (1 of 4 stars). 2 submissions from 2 submitters: Pathogenic (1). 1 of the submissions does not count toward it. Last evaluated 2022-07-14.

Conditions:
Kabuki syndrome 1 (KABUK1). Also called: KMT2D-Related Kabuki Syndrome. Identifiers: Orphanet 2322, MedGen CN030661, MONDO:0007843, OMIM 147920.

Submissions (2):

GeneDx
Classification: Pathogenic. Last evaluated: 2022-07-14. Review status: criteria provided, single submitter. Criteria: GeneDx Variant Classification Process June 2021. Collection method: clinical testing. Allele origin: germline. Affected: yes.
Comment: Frameshift variant predicted to result in protein truncation or nonsense mediated decay in a gene for which loss of function is a known mechanism of disease; Not observed at significant frequency in large population cohorts (gnomAD); This variant is associated with the following publications: (PMID: 27302555)

Autoinflammatory diseases unit, CHU de Montpellier
Classification: Pathogenic for Kabuki syndrome 1. Last evaluated: 2014-05-27. Review status: no assertion criteria provided. Collection method: clinical testing. Allele origin: de novo. Affected: yes. Not counted in ClinVar's aggregate classification.